The following is an entry in ClinVar:

NM_001206927.2(DNAH8):c.13643C>T (p.Ala4548Val)

Gene: DNAH8 (dynein axonemal heavy chain 8; plus strand). Cytogenetic location: 6p21.2.
Variant type: single nucleotide variant.
Coding change: c.13643C>T on transcript NM_001206927.2 (MANE Select); coding-DNA position 13643, C replaced by T.
Protein change: p.Ala4548Val; replaces alanine 4548 with valine.
Molecular consequence: missense variant.
Genome position (GRCh38, 1-based): chr6:39,012,566, C>T. VCF-style: chr6-39012566-C-T. GRCh37 (hg19) VCF-style: chr6-38980342-C-T.
Other names: c.12992C>T, p.Ala4331Val (NM_001371.4); short protein forms A4548V, A4331V.
Identifiers: ClinVar variation 4738022 (VCV004738022.1).

ClinVar aggregate classification (germline): Uncertain significance (1 of 4 stars; one submission).

Conditions:
Primary ciliary dyskinesia. Also called: Ciliary dyskinesia. Identifiers: Orphanet 244, MedGen C0008780, MONDO:0016575, HP:0012265.

gnomAD v4.1: 14 of 1,613,910 alleles (0.00087%); highest among the groups gnomAD compares: Non-Finnish European, 0.0011%; no homozygotes.

Submission:

Labcorp Genetics (formerly Invitae), Labcorp
Classification: Uncertain significance for Primary ciliary dyskinesia. Last evaluated: 2025-06-24. Review status: criteria provided, single submitter. Criteria: Invitae Variant Classification Sherloc (09022015). Collection method: clinical testing. Allele origin: germline.
Comment: This sequence change replaces alanine, which is neutral and non-polar, with valine, which is neutral and non-polar, at codon 4548 of the DNAH8 protein (p.Ala4548Val). This variant is not present in population databases (gnomAD no frequency). This variant has not been reported in the literature in individuals affected with DNAH8-related conditions. Invitae Evidence Modeling of protein sequence and biophysical properties (such as structural, functional, and spatial information, amino acid conservation, physicochemical variation, residue mobility, and thermodynamic stability) indicates that this missense variant is not expected to disrupt DNAH8 protein function with a negative predictive value of 80%. In summary, the available evidence is currently insufficient to determine the role of this variant in disease. Therefore, it has been classified as a Variant of Uncertain Significance.